The following is an entry in ClinVar:

NM_000138.5(FBN1):c.119G>A (p.Ser40Asn)

Gene: FBN1 (fibrillin 1; minus strand). Cytogenetic location: 15q21.1.
Variant type: single nucleotide variant.
Coding change: c.119G>A on transcript NM_000138.5 (MANE Select); coding-DNA position 119, G replaced by A.
Protein change: p.Ser40Asn; replaces serine 40 with asparagine.
Molecular consequence: missense variant.
Genome position (GRCh38, 1-based): chr15:48,644,651, C>T on the plus strand (G>A on the coding strand, the complement: FBN1 is on the minus strand). VCF-style: chr15-48644651-C-T. GRCh37 (hg19) VCF-style: chr15-48936848-C-T.
Other names: c.119G>A, p.Ser40Asn (NM_001406716.1, NM_001406717.1, NM_001406718.1); short protein forms S40N.
Identifiers: ClinVar variation 3897269 (VCV003897269.3).

ClinVar aggregate classification (germline): Uncertain significance. Review status: criteria provided, multiple submitters, no conflicts (2 of 4 stars). 2 submissions from 2 submitters: Uncertain significance (2). Last evaluated 2025-11-04.

Submissions (2):

GeneDx
Classification: Uncertain significance. Last evaluated: 2025-11-04. Review status: criteria provided, single submitter. Criteria: GeneDx Variant Classification Process June 2021. Collection method: clinical testing. Allele origin: germline.
Comment: Has not been previously published as pathogenic or benign to our knowledge; Not observed at significant frequency in large population cohorts (gnomAD); In silico analysis suggests that this missense variant does not alter protein structure/function; Does not affect a cysteine or calcium-binding residue within an EGF-like domain or a TGF-binding protein domain of the FBN1 gene; cysteine substitutions in the EGF-like domains represent the majority of pathogenic missense changes associated with FBN1-related disorders (PMID: 12938084); This variant is associated with the following publications: (PMID: 12938084)

Women's Health and Genetics/Laboratory Corporation of America, LabCorp
Classification: Uncertain significance. Last evaluated: 2025-05-23. Review status: criteria provided, single submitter. Criteria: LabCorp Variant Classification Summary - May 2015. Collection method: clinical testing. Allele origin: germline.
Comment: Variant summary: FBN1 c.119G>A (p.Ser40Asn) results in a conservative amino acid change in the encoded protein sequence. Algorithms developed to predict the effect of missense changes on protein structure and function all suggest that this variant is likely to be tolerated. The variant was absent in 251480 control chromosomes. The available data on variant occurrences in the general population are insufficient to allow any conclusion about variant significance. To our knowledge, no occurrence of c.119G>A in individuals affected with Marfan Syndrome and no experimental evidence demonstrating its impact on protein function have been reported. ClinVar contains an entry for this variant (Variation ID: 3897269). Based on the evidence outlined above, the variant was classified as uncertain significance.